The following is an entry in ClinVar:

ClinVar aggregate classification (germline): Conflicting classifications of pathogenicity. Review status: criteria provided, conflicting classifications (1 of 4 stars). 3 submissions from 3 submitters: Uncertain significance (1); Likely benign (1). 1 of the submissions does not count toward it. Last evaluated 2025-12-21.

Conditions:
KCNT1-related disorder. Also called: KCNT1-related condition.
Developmental and epileptic encephalopathy, 14 (DEE14). Also called: Early infantile epileptic encephalopathy 14. Identifiers: Orphanet 293181, MedGen C3554195, MONDO:0013989, OMIM 614959.
Autosomal dominant nocturnal frontal lobe epilepsy 5. Also called: CILIARY DYSKINESIA, PRIMARY, 28, WITHOUT SITUS INVERSUS; CILIARY DYSKINESIA, PRIMARY, 28, WITH SITUS INVERSUS; Epilepsy, nocturnal frontal lobe, 5; KCNT1-Related Epilepsy. Identifiers: Orphanet 98784, MedGen C3554306, MONDO:0014002, OMIM 615005.

Allele frequency attached by ClinVar (database versions not stated): gnomAD exomes below 0.00001 and 0.00003; gnomAD 0.00002; TOPMed 0.00003.
gnomAD v4.1: 44 of 1,610,370 alleles (0.0027%); highest among the groups gnomAD compares: Non-Finnish European, 0.0033%; no homozygotes.

Submissions (3):

Labcorp Genetics (formerly Invitae), Labcorp
Classification: Likely benign for Autosomal dominant nocturnal frontal lobe epilepsy 5; Developmental and epileptic encephalopathy, 14. Last evaluated: 2025-12-21. Review status: criteria provided, single submitter. Criteria: Invitae Variant Classification Sherloc (09022015). Collection method: clinical testing. Allele origin: germline.

Department of Pathology and Laboratory Medicine, Sinai Health System
Classification: Uncertain significance for Developmental and epileptic encephalopathy, 14; Autosomal dominant nocturnal frontal lobe epilepsy 5. Last evaluated: 2022-05-30. Review status: criteria provided, single submitter. Criteria: ACMG Guidelines, 2015. Collection method: research. Allele origin: germline.

PreventionGenetics, part of Exact Sciences
Classification: Uncertain significance for KCNT1-related condition. Last evaluated: 2024-08-09. Review status: no assertion criteria provided. Collection method: clinical testing. Allele origin: germline. Not counted in ClinVar's aggregate classification.
Comment: The KCNT1 c.3247G>A variant is predicted to result in the amino acid substitution p.Ala1083Thr. To our knowledge, this variant has not been reported in the literature. This variant is reported in 0.00099% of alleles in individuals of European (Non-Finnish) descent in gnomAD. At this time, the clinical significance of this variant is uncertain due to the absence of conclusive functional and genetic evidence.

NM_020822.3(KCNT1):c.3247G>A (p.Ala1083Thr)

Gene: KCNT1 (potassium sodium-activated channel subfamily T member 1; plus strand). Cytogenetic location: 9q34.3.
Variant type: single nucleotide variant.
Coding change: c.3247G>A on transcript NM_020822.3 (MANE Select); coding-DNA position 3247, G replaced by A.
Protein change: p.Ala1083Thr; replaces alanine 1083 with threonine.
Molecular consequence: missense variant.
Genome position (GRCh38, 1-based): chr9:135,786,266, G>A. VCF-style: chr9-135786266-G-A. GRCh37 (hg19) VCF-style: chr9-138678112-G-A.
Other names: c.3112G>A, p.Ala1038Thr (NM_001272003.2); short protein forms A1038T, A1083T.
Identifiers: ClinVar variation 700066 (VCV000700066.13), dbSNP rs917893164, ClinGen allele CA201423852.